The following is an entry in ClinVar:

ClinVar aggregate classification (germline): Benign/Likely benign. Review status: criteria provided, multiple submitters, no conflicts (2 of 4 stars). 3 submissions from 3 submitters: Benign (1); Likely benign (2). Last evaluated 2024-04-08.

Conditions:
Hereditary cancer-predisposing syndrome. Also called: Hereditary Cancer Syndrome; Hereditary neoplastic syndrome; Tumor predisposition; Neoplastic Syndromes, Hereditary. Identifiers: Orphanet 140162, MedGen C0027672, MeSH D009386, MONDO:0015356.
Familial adenomatous polyposis 1 (FAP1). Also called: FAMILIAL ADENOMATOUS POLYPOSIS 1, ATTENUATED; POLYPOSIS, ADENOMATOUS INTESTINAL. Identifiers: MedGen C2713442, MONDO:0021056, OMIM 175100. Disease mechanism: loss of function.

Allele frequency attached by ClinVar (database versions not stated): TOPMed below 0.00001.

Submissions (3):

Myriad Genetics, Inc.
Classification: Benign for Familial adenomatous polyposis 1. Last evaluated: 2024-04-08. Review status: criteria provided, single submitter. Criteria: Myriad Autosomal Dominant, Autosomal Recessive and X-Linked Classification Criteria (2023). Collection method: clinical testing. Allele origin: unknown.
Comment: This variant is considered benign. This variant is a silent/synonymous amino acid change and it is not expected to impact splicing.

Labcorp Genetics (formerly Invitae), Labcorp
Classification: Likely benign for Familial adenomatous polyposis 1. Last evaluated: 2022-11-14. Review status: criteria provided, single submitter. Criteria: Invitae Variant Classification Sherloc (09022015). Collection method: clinical testing. Allele origin: germline.

Ambry Genetics
Classification: Likely benign for Hereditary cancer-predisposing syndrome. Last evaluated: 2020-06-02. Review status: criteria provided, single submitter. Criteria: Ambry Variant Classification Scheme 2023. Collection method: clinical testing. Allele origin: germline.

NM_000038.6(APC):c.6931A>C (p.Arg2311=)

Gene: APC (APC regulator of Wnt signaling pathway; plus strand). Cytogenetic location: 5q22.2.
Variant type: single nucleotide variant.
Coding change: c.6931A>C on transcript NM_000038.6 (MANE Select); coding-DNA position 6931, A replaced by C.
Protein change: p.Arg2311=; no amino-acid change (arginine 2311 retained).
Molecular consequence: synonymous variant.
Genome position (GRCh38, 1-based): chr5:112,842,525, A>C. VCF-style: chr5-112842525-A-C. GRCh37 (hg19) VCF-style: chr5-112178222-A-C.
Other names: c.6847A>C, p.Arg2283= (NM_001354899.2); c.6808A>C, p.Arg2270= (NM_001354900.2); c.6754A>C, p.Arg2252= (NM_001354901.2); c.6658A>C, p.Arg2220= (NM_001354902.2); c.6628A>C, p.Arg2210= (NM_001354903.2); c.6553A>C, p.Arg2185= (NM_001354904.2); c.6451A>C, p.Arg2151= (NM_001354905.2); c.6082A>C, p.Arg2028= (NM_001354906.2); and 5 more.
Identifiers: ClinVar variation 1079499 (VCV001079499.13), dbSNP rs878853467, ClinGen allele CA446210520.
Genomic context (GRCh38, chr5:112,842,525, plus strand): 5'-CAAATAGGTGGGTCAAGTAAAGCACCTTCTAGATCAGGATCTAGAGATTCGACCCCTTCA[A>C]GACCTGCCCAGCAACCATTAAGTAGACCTATACAGTCTCCTGGCCGAAACTCAATTTCCC-3'
Protein context (NP_000029.2, residues 2301-2321): RSGSRDSTPS[Arg2311=]PAQQPLSRPI